The following is an entry in ClinVar:

NM_018136.5(ASPM):c.41G>C (p.Ser14Thr)

Gene: ASPM (assembly factor for spindle microtubules; minus strand). Cytogenetic location: 1q31.3.
Variant type: single nucleotide variant.
Coding change: c.41G>C on transcript NM_018136.5 (MANE Select); coding-DNA position 41, G replaced by C.
Protein change: p.Ser14Thr; replaces serine 14 with threonine.
Molecular consequence: missense variant.
Genome position (GRCh38, 1-based): chr1:197,146,397, C>G on the plus strand (G>C on the coding strand, the complement: ASPM is on the minus strand). VCF-style: chr1-197146397-C-G. GRCh37 (hg19) VCF-style: chr1-197115527-C-G.
Other names: c.41G>C, p.Ser14Thr (NM_001206846.2); short protein forms S14T.
Identifiers: ClinVar variation 1950578 (VCV001950578.3), dbSNP rs748407969, ClinGen allele CA35863418.
Genomic context (GRCh38, chr1:197,146,397, plus strand): 5'-GACGCCTCCTCCTCGGCCGCGGGGCCCCGCAGCCCCGCGGGCGGCCTCCGCTCGGTCGGG[C>G]TCACTTCCCAGCAGCCTCGCCCCACTCGCCGGTTCGCCATGGCAGATTCGAGACCCCTCC-3'
Protein context (NP_060606.3, residues 4-24): RRVGRGCWEV[Ser14Thr]PTERRPPAGL

ClinVar aggregate classification (germline): Uncertain significance (1 of 4 stars; one submission).

Allele frequency attached by ClinVar (database versions not stated): TOPMed 0.00001.

Submission:

Labcorp Genetics (formerly Invitae), Labcorp
Classification: Uncertain significance. Last evaluated: 2022-06-19. Review status: criteria provided, single submitter. Criteria: Invitae Variant Classification Sherloc (09022015). Collection method: clinical testing. Allele origin: germline.
Comment: In summary, the available evidence is currently insufficient to determine the role of this variant in disease. Therefore, it has been classified as a Variant of Uncertain Significance. Algorithms developed to predict the effect of missense changes on protein structure and function (SIFT, PolyPhen-2, Align-GVGD) all suggest that this variant is likely to be tolerated. This variant has not been reported in the literature in individuals affected with ASPM-related conditions. This variant is present in population databases (no rsID available, gnomAD 0.003%). This sequence change replaces serine, which is neutral and polar, with threonine, which is neutral and polar, at codon 14 of the ASPM protein (p.Ser14Thr).